The following is an entry in ClinVar:

ClinVar aggregate classification (germline): Uncertain significance (1 of 4 stars; one submission).

Allele frequency attached by ClinVar (database versions not stated): gnomAD exomes below 0.00001.

Submission:

Labcorp Genetics (formerly Invitae), Labcorp
Classification: Uncertain significance. Last evaluated: 2022-08-31. Review status: criteria provided, single submitter. Criteria: Invitae Variant Classification Sherloc (09022015). Collection method: clinical testing. Allele origin: germline.
Comment: This sequence change replaces serine, which is neutral and polar, with asparagine, which is neutral and polar, at codon 204 of the CLCN7 protein (p.Ser204Asn). This variant is not present in population databases (gnomAD no frequency). This variant has not been reported in the literature in individuals affected with CLCN7-related conditions. Advanced modeling of protein sequence and biophysical properties (such as structural, functional, and spatial information, amino acid conservation, physicochemical variation, residue mobility, and thermodynamic stability) performed at Invitae indicates that this missense variant is expected to disrupt CLCN7 protein function. In summary, the available evidence is currently insufficient to determine the role of this variant in disease. Therefore, it has been classified as a Variant of Uncertain Significance.

NM_001287.6(CLCN7):c.611G>A (p.Ser204Asn)

Gene: CLCN7 (chloride voltage-gated channel 7; minus strand). Cytogenetic location: 16p13.3.
Variant type: single nucleotide variant.
Coding change: c.611G>A on transcript NM_001287.6 (MANE Select); coding-DNA position 611, G replaced by A.
Protein change: p.Ser204Asn; replaces serine 204 with asparagine.
Molecular consequence: missense variant.
Genome position (GRCh38, 1-based): chr16:1,459,171, C>T on the plus strand (G>A on the coding strand, the complement: CLCN7 is on the minus strand). VCF-style: chr16-1459171-C-T. GRCh37 (hg19) VCF-style: chr16-1509172-C-T.
Other names: c.539G>A, p.Ser180Asn (NM_001114331.3); short protein forms S180N, S204N.
Identifiers: ClinVar variation 1718399 (VCV001718399.5), dbSNP rs2505840405, ClinGen allele CA394191996.